The following is an entry in ClinVar:

ClinVar aggregate classification (germline): Uncertain significance (1 of 4 stars; one submission).

Conditions:
Microcephaly, normal intelligence and immunodeficiency (NBS). Also called: Nijmegen breakage syndrome; Microcephaly with normal intelligence immunodeficiency and lymphoreticular malignancies; Nonsyndromal microcephaly autosomal recessive with normal intelligence; Seemanova syndrome 2; Immunodeficiency, microcephaly with normal intelligence; BERLIN BREAKAGE SYNDROME. Identifiers: Orphanet 647, MedGen C0398791, MONDO:0009623, OMIM 251260.

Submission:

Labcorp Genetics (formerly Invitae), Labcorp
Classification: Uncertain significance for Microcephaly, normal intelligence and immunodeficiency. Last evaluated: 2016-09-29. Review status: criteria provided, single submitter. Criteria: Invitae Variant Classification Sherloc (09022015). Collection method: clinical testing. Allele origin: germline.
Comment: This variant is a gross duplication of the genomic region encompassing exons 9-16 of the NBN gene. The 5' boundary is likely confined to intron 8. The 3' end of this event is unknown as it extends beyond the assayed region for this gene and therefore may encompass additional genes. This variant has not been reported in the literature in individuals with an NBN-related disease. In summary, the exact genomic location of this variant is unknown and the impact of this duplication on NBN protein function has not been established. Therefore, it has been classified as a Variant of Uncertain Significance.

NC_000008.10:g.(?_90945564)_(90971082_?)dup

Genes: NBN (nibrin; minus strand), LOC126860438 (MED14-independent group 3 enhancer GRCh37_chr8:90959982-90961181; plus strand). Cytogenetic location: 8q21.3.
Variant type: Duplication.
Identifiers: ClinVar variation 417614 (VCV000417614.1).